The following is an entry in ClinVar:

ClinVar aggregate classification (germline): Uncertain significance (1 of 4 stars; one submission).

Conditions:
Primary dilated cardiomyopathy (DCM). Also called: Dilated Cardiomyopathy. Identifiers: Orphanet 217604, MedGen C0007193, MeSH D002311, MONDO:0005021, HP:0001644. Inheritance: Various modes of inheritance.
Hypertrophic cardiomyopathy. Also called: HYPERTROPHIC MYOCARDIOPATHY. Identifiers: Orphanet 217569, MedGen C0007194, MeSH D002312, MONDO:0005045, HP:0001639.

Submission:

Labcorp Genetics (formerly Invitae), Labcorp
Classification: Uncertain significance for Hypertrophic cardiomyopathy; Primary dilated cardiomyopathy. Last evaluated: 2024-12-25. Review status: criteria provided, single submitter. Criteria: Invitae Variant Classification Sherloc (09022015). Collection method: clinical testing. Allele origin: germline.
Comment: This sequence change replaces asparagine, which is neutral and polar, with lysine, which is basic and polar, at codon 326 of the PDLIM3 protein (p.Asn326Lys). This variant is not present in population databases (gnomAD no frequency). This variant has not been reported in the literature in individuals affected with PDLIM3-related conditions. Invitae Evidence Modeling of protein sequence and biophysical properties (such as structural, functional, and spatial information, amino acid conservation, physicochemical variation, residue mobility, and thermodynamic stability) indicates that this missense variant is not expected to disrupt PDLIM3 protein function with a negative predictive value of 80%. In summary, the available evidence is currently insufficient to determine the role of this variant in disease. Therefore, it has been classified as a Variant of Uncertain Significance.

NM_014476.6(PDLIM3):c.978C>G (p.Asn326Lys)

Gene: PDLIM3 (PDZ and LIM domain 3; minus strand). Cytogenetic location: 4q35.1.
Variant type: single nucleotide variant.
Coding change: c.978C>G on transcript NM_014476.6 (MANE Select); coding-DNA position 978, C replaced by G.
Protein change: p.Asn326Lys; replaces asparagine 326 with lysine.
Molecular consequence: missense variant. On other transcripts: non-coding transcript variant (1).
Genome position (GRCh38, 1-based): chr4:185,502,411, G>C on the plus strand (C>G on the coding strand, the complement: PDLIM3 is on the minus strand). VCF-style: chr4-185502411-G-C. GRCh37 (hg19) VCF-style: chr4-186423565-G-C.
Other names: c.834C>G, p.Asn278Lys (NM_001114107.5); c.714C>G, p.Asn238Lys (NM_001257962.2); c.477C>G, p.Asn159Lys (NM_001257963.2); short protein forms N159K, N238K, N278K, N326K.
Identifiers: ClinVar variation 3751993 (VCV003751993.2).